The following is an entry in ClinVar:

NM_182978.4(GNAL):c.910+72C>T

Gene: GNAL (G protein subunit alpha L; plus strand). Cytogenetic location: 18p11.21.
Variant type: single nucleotide variant.
Coding change: c.910+72C>T on transcript NM_182978.4 (MANE Select); 72 bases into the intron after coding-DNA position 910, C replaced by T.
Molecular consequence: intron variant.
Genome position (GRCh38, 1-based): chr18:11,867,298, C>T. VCF-style: chr18-11867298-C-T. GRCh37 (hg19) VCF-style: chr18-11867297-C-T.
Other names: c.679+72C>T (NM_001142339.3, NM_001369387.1, NM_001261443.2); c.58+72C>T (NM_001261444.2).
Identifiers: ClinVar variation 1283324 (VCV001283324.4), dbSNP rs2855646, ClinGen allele CA15929647.

ClinVar aggregate classification (germline): Benign. Review status: criteria provided, multiple submitters, no conflicts (2 of 4 stars). 3 submissions from 3 submitters: Benign (3). Last evaluated 2024-07-31.

Allele frequency attached by ClinVar (database versions not stated): 1000 Genomes Project 0.25419; 1000 Genomes Project 30x 0.25734; TOPMed 0.26008; gnomAD 0.26188 and 0.26534; ESP Exome Variant Server 0.26522.
gnomAD v4.1: 203,001 of 901,626 alleles (23%); highest among the groups gnomAD compares: African/African-American, 40%; 25,257 homozygotes.

Submissions (3):

Unidad de Genómica Garrahan, Hospital de Pediatría Garrahan
Classification: Benign. Last evaluated: 2024-07-31. Review status: criteria provided, single submitter. Criteria: ACMG Guidelines, 2015. Collection method: clinical testing. Allele origin: germline. Affected: no. Observed: 23 variant alleles.
Comment: This variant is classified as Benign based on local population frequency. This variant was detected in 25% of patients studied in a panel designed for Epileptic and Developmental Encephalopathy, Progressive Myoclonus Epilepsy and Abnormal Movements and Neurodegeneration with brain iron accumulation. Number of patients: 23. Only high quality variants are reported.

GeneDx
Classification: Benign. Last evaluated: 2018-07-05. Review status: criteria provided, single submitter. Criteria: GeneDx Variant Classification Process June 2021. Collection method: clinical testing. Allele origin: germline. Affected: yes.

Breakthrough Genomics
Classification: Benign. Review status: criteria provided, single submitter. Criteria: ACMG Guidelines, 2015. Collection method: not provided. Allele origin: germline. Inheritance: Autosomal dominant inheritance. Affected: yes.